The following is an entry in ClinVar:

NM_021927.3(GUF1):c.1569A>G (p.Val523=)

Gene: GUF1 (GTP binding elongation factor GUF1; plus strand). Cytogenetic location: 4p12.
Variant type: single nucleotide variant.
Coding change: c.1569A>G on transcript NM_021927.3 (MANE Select); coding-DNA position 1569, A replaced by G.
Protein change: p.Val523=; no amino-acid change (valine 523 retained).
Molecular consequence: synonymous variant.
Genome position (GRCh38, 1-based): chr4:44,691,755, A>G. VCF-style: chr4-44691755-A-G. GRCh37 (hg19) VCF-style: chr4-44693772-A-G.
Other names: c.597A>G, p.Val199= (NM_001345867.2, NM_001345869.2); c.1569A>G, p.Val523= (NM_001345868.2).
Identifiers: ClinVar variation 758182 (VCV000758182.26), dbSNP rs145642768, ClinGen allele CA2905686.

ClinVar aggregate classification (germline): Likely benign. Review status: criteria provided, multiple submitters, no conflicts (2 of 4 stars). 2 submissions from 2 submitters: Likely benign (2). Last evaluated 2026-09-01.

Allele frequency attached by ClinVar (database versions not stated): ESP Exome Variant Server 0.00008; ExAC 0.00010; gnomAD exomes 0.00018; 1000 Genomes Project 0.00020; TOPMed 0.00025; gnomAD 0.00026 and 0.00027; 1000 Genomes Project 30x 0.00031.
gnomAD v4.1: 803 of 1,594,444 alleles (0.05%); highest among the groups gnomAD compares: Non-Finnish European, 0.063%; 2 homozygotes.

Submissions (2):

CeGaT Center for Human Genetics Tuebingen
Classification: Likely benign. Last evaluated: 2026-09-01. Review status: criteria provided, single submitter. Criteria: CeGaT Center For Human Genetics Tuebingen Variant Classification Criteria Version 2. Collection method: clinical testing. Allele origin: germline. Affected: yes. Observed: 6 variant alleles.
Comment: GUF1: BP4, BP7

Labcorp Genetics (formerly Invitae), Labcorp
Classification: Likely benign. Last evaluated: 2025-03-19. Review status: criteria provided, single submitter. Criteria: Invitae Variant Classification Sherloc (09022015). Collection method: clinical testing. Allele origin: germline.